The following is an entry in ClinVar:

NM_003200.5(TCF3):c.11C>T (p.Pro4Leu)

Gene: TCF3 (transcription factor 3; minus strand). Cytogenetic location: 19p13.3.
Variant type: single nucleotide variant.
Coding change: c.11C>T on transcript NM_003200.5 (MANE Select); coding-DNA position 11, C replaced by T.
Protein change: p.Pro4Leu; replaces proline 4 with leucine.
Molecular consequence: missense variant.
Genome position (GRCh38, 1-based): chr19:1,650,238, G>A on the plus strand (C>T on the coding strand, the complement: TCF3 is on the minus strand). VCF-style: chr19-1650238-G-A. GRCh37 (hg19) VCF-style: chr19-1650237-G-A.
Other names: c.11C>T, p.Pro4Leu (NM_001136139.4, NM_001351778.2, NM_001351779.2); short protein forms P4L.
Identifiers: ClinVar variation 1395884 (VCV001395884.7), dbSNP rs757916399, ClinGen allele CA9050618.
Genomic context (GRCh38, chr19:1,650,238, plus strand): 5'-ATGCTGAAGTCCAGGAGGTCACTGAGCTCCTTGTCTGTGCCCACAGGCGCCATCCTCTGC[G>A]GCTGGTTCATTCTCCTGGGGCCAGGGCGGGCACCTCAGGCCTGGAAACCCTGCTTGGTGG-3'
Protein context (NP_003191.1, residues 1-14): MNQ[Pro4Leu]QRMAPVGTDK

ClinVar aggregate classification (germline): Uncertain significance (1 of 4 stars; one submission).

Allele frequency attached by ClinVar (database versions not stated): gnomAD exomes 0.00006 and 0.00009.
gnomAD v4.1: 144 of 1,565,834 alleles (0.0092%); highest among the groups gnomAD compares: Middle Eastern, 0.017%; no homozygotes.

Submission:

Labcorp Genetics (formerly Invitae), Labcorp
Classification: Uncertain significance. Last evaluated: 2025-11-24. Review status: criteria provided, single submitter. Criteria: Invitae Variant Classification Sherloc (09022015). Collection method: clinical testing. Allele origin: germline.
Comment: This sequence change replaces proline, which is neutral and non-polar, with leucine, which is neutral and non-polar, at codon 4 of the TCF3 protein (p.Pro4Leu). This variant is present in population databases (rs757916399, gnomAD 0.009%). This variant has not been reported in the literature in individuals affected with TCF3-related conditions. ClinVar contains an entry for this variant (Variation ID: 1395884). Experimental studies and prediction algorithms are not available or were not evaluated, and the functional significance of this variant is currently unknown. In summary, the available evidence is currently insufficient to determine the role of this variant in disease. Therefore, it has been classified as a Variant of Uncertain Significance.